The following is an entry in ClinVar:

ClinVar aggregate classification (germline): Uncertain significance. Review status: criteria provided, multiple submitters, no conflicts (2 of 4 stars). 2 submissions from 2 submitters: Uncertain significance (2). Last evaluated 2026-07-15.

Conditions:
RP1L1-related disorder. Also called: RP1L1-related condition.
Inborn genetic diseases. Identifiers: MedGen C0950123, MeSH D030342.

gnomAD v4.1: 5 of 1,613,746 alleles (0.00031%); highest among the groups gnomAD compares: Admixed American, 0.0083%; no homozygotes.

Submissions (2):

PreventionGenetics, part of Exact Sciences
Classification: Uncertain significance for RP1L1-related condition. Last evaluated: 2026-07-15. Review status: criteria provided, single submitter. Criteria: ACMG Guidelines, 2015. Collection method: clinical testing. Allele origin: germline.
Comment: The RP1L1 c.2190G>C variant is predicted to result in the amino acid substitution p.Gln730His. To our knowledge, this variant has not been reported in the literature. This variant is present in 0.0087% of alleles in individuals of Latino descent in gnomAD. At this time, the clinical significance of this variant is uncertain due to the absence of conclusive functional and genetic evidence.

Ambry Genetics
Classification: Uncertain significance for Inborn genetic diseases. Last evaluated: 2025-09-10. Review status: criteria provided, single submitter. Criteria: Ambry Variant Classification Scheme 2023. Collection method: clinical testing. Allele origin: germline.

NM_178857.6(RP1L1):c.2190G>C (p.Gln730His)

Gene: RP1L1 (RP1 like 1). Cytogenetic location: 8p23.1.
Variant type: single nucleotide variant.
Coding change: c.2190G>C on transcript NM_178857.6 (MANE Select); coding-DNA position 2190, G replaced by C.
Protein change: p.Gln730His; replaces glutamine 730 with histidine.
Molecular consequence: missense variant.
Genome position (GRCh38, 1-based): chr8:10,611,908, C>G on the plus strand (G>C on the coding strand, the complement: RP1L1 is on the minus strand). VCF-style: chr8-10611908-C-G. GRCh37 (hg19) VCF-style: chr8-10469418-C-G.
Other names: short protein forms Q730H.
Identifiers: ClinVar variation 4156303 (VCV004156303.2).